The following is an entry in ClinVar:

NM_198578.4(LRRK2):c.2142G>C (p.Glu714Asp)

Gene: LRRK2 (leucine rich repeat kinase 2; plus strand). Cytogenetic location: 12q12.
Variant type: single nucleotide variant.
Coding change: c.2142G>C on transcript NM_198578.4 (MANE Select); coding-DNA position 2142, G replaced by C.
Protein change: p.Glu714Asp; replaces glutamic acid 714 with aspartic acid.
Molecular consequence: missense variant.
Genome position (GRCh38, 1-based): chr12:40,278,162, G>C. VCF-style: chr12-40278162-G-C. GRCh37 (hg19) VCF-style: chr12-40671964-G-C.
Other names: short protein forms E714D.
Identifiers: ClinVar variation 1786607 (VCV001786607.2), dbSNP rs1943539813, ClinGen allele CA384405119.

ClinVar aggregate classification (germline): Uncertain significance (1 of 4 stars; one submission).

Conditions:
Inborn genetic diseases. Identifiers: MedGen C0950123, MeSH D030342.

Submission:

Ambry Genetics
Classification: Uncertain significance for Inborn genetic diseases. Last evaluated: 2021-07-10. Review status: criteria provided, single submitter. Criteria: Ambry Variant Classification Scheme 2023. Collection method: clinical testing. Allele origin: germline.
Comment: The p.E714D variant (also known as c.2142G>C), located in coding exon 18 of the LRRK2 gene, results from a G to C substitution at nucleotide position 2142. The glutamic acid at codon 714 is replaced by aspartic acid, an amino acid with highly similar properties. This amino acid position is conserved. In addition, this alteration is predicted to be tolerated by in silico analysis. Since supporting evidence is limited at this time, the clinical significance of this alteration remains unclear.